The following is an entry in ClinVar:

ClinVar aggregate classification (germline): Uncertain significance (1 of 4 stars; one submission).

Conditions:
Brody myopathy. Also called: BRODY DISEASE. Identifiers: Orphanet 53347, MedGen C1832918, MONDO:0010977, OMIM 601003.

Allele frequency attached by ClinVar (database versions not stated): ExAC 0.00001; gnomAD exomes 0.00001 and 0.00002; TOPMed 0.00001.
gnomAD v4.1: 16 of 1,613,720 alleles (0.00099%); highest among the groups gnomAD compares: Non-Finnish European, 0.0014%; no homozygotes.

Submission:

Labcorp Genetics (formerly Invitae), Labcorp
Classification: Uncertain significance for Brody myopathy. Last evaluated: 2021-08-26. Review status: criteria provided, single submitter. Criteria: Invitae Variant Classification Sherloc (09022015). Collection method: clinical testing. Allele origin: germline.
Comment: This sequence change replaces methionine with threonine at codon 874 of the ATP2A1 protein (p.Met874Thr). The methionine residue is moderately conserved and there is a moderate physicochemical difference between methionine and threonine. This variant is present in population databases (rs774583870, ExAC 0.002%). This variant has not been reported in the literature in individuals affected with ATP2A1-related conditions. Algorithms developed to predict the effect of missense changes on protein structure and function are either unavailable or do not agree on the potential impact of this missense change (SIFT: "Deleterious"; PolyPhen-2: "Probably Damaging"; Align-GVGD: "Class C0"). In summary, the available evidence is currently insufficient to determine the role of this variant in disease. Therefore, it has been classified as a Variant of Uncertain Significance.

NM_004320.6(ATP2A1):c.2621T>C (p.Met874Thr)

Gene: ATP2A1 (ATPase sarcoplasmic/endoplasmic reticulum Ca2+ transporting 1; plus strand). Cytogenetic location: 16p11.2.
Variant type: single nucleotide variant.
Coding change: c.2621T>C on transcript NM_004320.6 (MANE Select); coding-DNA position 2621, T replaced by C.
Protein change: p.Met874Thr; replaces methionine 874 with threonine.
Molecular consequence: missense variant.
Genome position (GRCh38, 1-based): chr16:28,902,788, T>C. VCF-style: chr16-28902788-T-C. GRCh37 (hg19) VCF-style: chr16-28914109-T-C.
Other names: c.2246T>C, p.Met749Thr (NM_001286075.2); c.2621T>C, p.Met874Thr (NM_173201.5); short protein forms M874T, M749T.
Identifiers: ClinVar variation 861033 (VCV000861033.7), dbSNP rs774583870, ClinGen allele CA7987337.